The following is an entry in ClinVar:

NM_207346.3(TSEN54):c.1156C>T (p.Gln386Ter)

Gene: TSEN54 (tRNA splicing endonuclease subunit 54; plus strand). Cytogenetic location: 17q25.1.
Variant type: single nucleotide variant.
Coding change: c.1156C>T on transcript NM_207346.3 (MANE Select); coding-DNA position 1156, C replaced by T.
Protein change: p.Gln386Ter; replaces glutamine 386 with a stop codon.
Molecular consequence: nonsense.
Genome position (GRCh38, 1-based): chr17:75,522,237, C>T. VCF-style: chr17-75522237-C-T. GRCh37 (hg19) VCF-style: chr17-73518318-C-T.
Other names: short protein forms Q386*.
Identifiers: ClinVar variation 431931 (VCV000431931.7), dbSNP rs1337062385, ClinGen allele CA401029940.

ClinVar aggregate classification (germline): Pathogenic. Review status: criteria provided, multiple submitters, no conflicts (2 of 4 stars). 2 submissions from 2 submitters: Pathogenic (2). Last evaluated 2024-10-25.

Allele frequency attached by ClinVar (database versions not stated): gnomAD exomes below 0.00001; TOPMed below 0.00001; gnomAD 0.00001.
gnomAD v4.1: 4 of 1,547,572 alleles (0.00026%); highest among the groups gnomAD compares: South Asian, 0.0012%; no homozygotes.

Submissions (2):

Labcorp Genetics (formerly Invitae), Labcorp
Classification: Pathogenic. Last evaluated: 2024-10-25. Review status: criteria provided, single submitter. Criteria: Invitae Variant Classification Sherloc (09022015). Collection method: clinical testing. Allele origin: germline.
Comment: This sequence change creates a premature translational stop signal (p.Gln386*) in the TSEN54 gene. It is expected to result in an absent or disrupted protein product. Loss-of-function variants in TSEN54 are known to be pathogenic (PMID: 18711368, 20952379). This variant is not present in population databases (gnomAD no frequency). This variant has not been reported in the literature in individuals affected with TSEN54-related conditions. ClinVar contains an entry for this variant (Variation ID: 431931). For these reasons, this variant has been classified as Pathogenic.

GeneDx
Classification: Pathogenic. Last evaluated: 2015-11-02. Review status: criteria provided, single submitter. Criteria: GeneDx Variant Classification (06012015). Collection method: clinical testing. Allele origin: germline. Affected: yes.
Comment: The Q386X pathogenic variant in the TSEN54 gene has not been reported previously as a pathogenic variant nor as abenign variant, to our knowledge. This variant is predicted to cause loss of normal protein function either throughprotein truncation or nonsense-mediated mRNA decay. The Q386X variant was not observed in approximately 6100individuals of European and African American ancestry in the NHLBI Exome Sequencing Project, indicating it is nota common benign variant in these populations. We interpret Q386X as a pathogenic variant.

Literature cited by the submitters: PubMed 18711368 (cited by Labcorp Genetics (formerly Invitae), Labcorp); PubMed 20952379 (cited by Labcorp Genetics (formerly Invitae), Labcorp).